The following is an entry in ClinVar:

ClinVar aggregate classification (germline): Benign (0 of 4 stars; one submission).

Conditions:
SEMA3C-related disorder. Also called: SEMA3C-related condition.

Allele frequency attached by ClinVar (database versions not stated): 1000 Genomes Project 30x 0.91084; 1000 Genomes Project 0.91633; ESP Exome Variant Server 0.92119; TOPMed 0.92487; gnomAD 0.93017; ExAC 0.96868; gnomAD exomes 0.98608.
gnomAD v4.1: 1,582,508 of 1,614,054 alleles (98%); highest among the groups gnomAD compares: East Asian, 100%; 777,793 homozygotes.

Submission:

PreventionGenetics, part of Exact Sciences
Classification: Benign for SEMA3C-related condition. Last evaluated: 2022-07-19. Review status: no assertion criteria provided. Collection method: clinical testing. Allele origin: germline.
Comment: This variant is classified as benign based on ACMG/AMP sequence variant interpretation guidelines (Richards et al. 2015 PMID: 25741868, with internal and published modifications).

NM_006379.5(SEMA3C):c.2124T>C (p.Tyr708=)

Gene: SEMA3C (semaphorin 3C; minus strand). Cytogenetic location: 7q21.11.
Variant type: single nucleotide variant.
Coding change: c.2124T>C on transcript NM_006379.5 (MANE Select); coding-DNA position 2124, T replaced by C.
Protein change: p.Tyr708=; no amino-acid change (tyrosine 708 retained).
Molecular consequence: synonymous variant.
Genome position (GRCh38, 1-based): chr7:80,745,026, A>G on the plus strand (T>C on the coding strand, the complement: SEMA3C is on the minus strand). VCF-style: chr7-80745026-A-G. GRCh37 (hg19) VCF-style: chr7-80374342-A-G.
Other names: c.2178T>C, p.Tyr726= (NM_001350120.2); c.1950T>C, p.Tyr650= (NM_001350121.2).
Identifiers: ClinVar variation 3060435 (VCV003060435.2), dbSNP rs1949971, ClinGen allele CA4315909.